The following is an entry in ClinVar:

ClinVar aggregate classification (germline): Uncertain significance (1 of 4 stars; one submission).

Submission:

Labcorp Genetics (formerly Invitae), Labcorp
Classification: Uncertain significance. Last evaluated: 2023-05-22. Review status: criteria provided, single submitter. Criteria: Invitae Variant Classification Sherloc (09022015). Collection method: clinical testing. Allele origin: germline.
Comment: In summary, the available evidence is currently insufficient to determine the role of this variant in disease. Therefore, it has been classified as a Variant of Uncertain Significance. An algorithm developed to predict the effect of missense changes on protein structure and function (PolyPhen-2) suggests that this variant is likely to be disruptive. This variant has not been reported in the literature in individuals affected with GABRB1-related conditions. Information on the frequency of this variant in the gnomAD database is not available, as this variant may be reported differently in the database. This sequence change replaces arginine, which is basic and polar, with leucine, which is neutral and non-polar, at codon 405 of the GABRB1 protein (p.Arg405Leu).

NM_000812.4(GABRB1):c.1214_1215delinsTT (p.Arg405Leu)

Gene: GABRB1 (gamma-aminobutyric acid type A receptor subunit beta1; plus strand). Cytogenetic location: 4p12.
Variant type: Indel.
Coding change: c.1214_1215delinsTT on transcript NM_000812.4 (MANE Select); coding-DNA positions 1214 to 1215, GC replaced by TT.
Protein change: p.Arg405Leu; replaces arginine 405 with leucine.
Molecular consequence: missense variant.
Genome position (GRCh38, 1-based): chr4:47,425,807-47,425,808, GC replaced by TT. VCF-style: chr4-47425807-GC-TT. GRCh37 (hg19) VCF-style: chr4-47427824-GC-TT.
Other names: short protein forms R405L.
Identifiers: ClinVar variation 2867226 (VCV002867226.3), dbSNP rs2475515876, ClinGen allele CA2739270055.